The following is an entry in ClinVar:

NM_000093.5(COL5A1):c.4014+5G>A

Gene: COL5A1 (collagen type V alpha 1 chain; plus strand). Cytogenetic location: 9q34.3.
Variant type: single nucleotide variant.
Coding change: c.4014+5G>A on transcript NM_000093.5 (MANE Select); 5 bases into the intron after coding-DNA position 4014, G replaced by A.
Molecular consequence: intron variant.
Genome position (GRCh38, 1-based): chr9:134,814,909, G>A. VCF-style: chr9-134814909-G-A. GRCh37 (hg19) VCF-style: chr9-137706755-G-A.
Other names: c.4014+5G>A (NM_001278074.1).
Identifiers: ClinVar variation 3709538 (VCV003709538.2).

ClinVar aggregate classification (germline): Uncertain significance (1 of 4 stars; one submission).

Conditions:
Ehlers-Danlos syndrome, classic type, 1 (EDSCL1). Also called: EHLERS-DANLOS SYNDROME, GRAVIS TYPE; EHLERS-DANLOS SYNDROME, SEVERE CLASSIC TYPE; Ehlers-Danlos syndrome, type 1; Ehlers-Danlos Syndrome, Classic Type, COL5A1-Related; EDS I. Identifiers: MedGen C0268335, MONDO:0019567, OMIM 130000.

Submission:

Labcorp Genetics (formerly Invitae), Labcorp
Classification: Uncertain significance for Ehlers-Danlos syndrome, classic type, 1. Last evaluated: 2024-09-24. Review status: criteria provided, single submitter. Criteria: Invitae Variant Classification Sherloc (09022015). Collection method: clinical testing. Allele origin: germline.
Comment: This sequence change falls in intron 50 of the COL5A1 gene. It does not directly change the encoded amino acid sequence of the COL5A1 protein. It affects a nucleotide within the consensus splice site. This variant is not present in population databases (gnomAD no frequency). This variant has not been reported in the literature in individuals affected with COL5A1-related conditions. Variants that disrupt the consensus splice site are a relatively common cause of aberrant splicing (PMID: 17576681, 9536098). Algorithms developed to predict the effect of sequence changes on RNA splicing suggest that this variant may disrupt the consensus splice site. In summary, the available evidence is currently insufficient to determine the role of this variant in disease. Therefore, it has been classified as a Variant of Uncertain Significance.

Literature cited by the submitters: PubMed 17576681; PubMed 9536098.